The following is an entry in ClinVar:

NM_004793.4(LONP1):c.165G>T (p.Trp55Cys)

Gene: LONP1 (lon peptidase 1, mitochondrial; minus strand). Cytogenetic location: 19p13.3.
Variant type: single nucleotide variant.
Coding change: c.165G>T on transcript NM_004793.4 (MANE Select); coding-DNA position 165, G replaced by T.
Protein change: p.Trp55Cys; replaces tryptophan 55 with cysteine.
Molecular consequence: missense variant. On other transcripts: intron variant (2).
Genome position (GRCh38, 1-based): chr19:5,719,968, C>A on the plus strand (G>T on the coding strand, the complement: LONP1 is on the minus strand). VCF-style: chr19-5719968-C-A. GRCh37 (hg19) VCF-style: chr19-5719979-C-A.
Other names: c.-160+251G>T (NM_001276480.1); c.124+41G>T (NM_001276479.2); short protein forms W55C.
Identifiers: ClinVar variation 3679062 (VCV003679062.2).

ClinVar aggregate classification (germline): Uncertain significance (1 of 4 stars; one submission).

gnomAD v4.1: 1 of 1,579,310 alleles (0.000063%); highest among the groups gnomAD compares: Non-Finnish European, 0.000086%; no homozygotes.

Submission:

Labcorp Genetics (formerly Invitae), Labcorp
Classification: Uncertain significance. Last evaluated: 2025-03-18. Review status: criteria provided, single submitter. Criteria: Invitae Variant Classification Sherloc (09022015). Collection method: clinical testing. Allele origin: germline.
Comment: This sequence change replaces tryptophan, which is neutral and slightly polar, with cysteine, which is neutral and slightly polar, at codon 55 of the LONP1 protein (p.Trp55Cys). This variant is not present in population databases (gnomAD no frequency). This variant has not been reported in the literature in individuals affected with LONP1-related conditions. Invitae Evidence Modeling of protein sequence and biophysical properties (such as structural, functional, and spatial information, amino acid conservation, physicochemical variation, residue mobility, and thermodynamic stability) indicates that this missense variant is not expected to disrupt LONP1 protein function with a negative predictive value of 95%. In summary, the available evidence is currently insufficient to determine the role of this variant in disease. Therefore, it has been classified as a Variant of Uncertain Significance.